The following is an entry in ClinVar:

NM_003640.5(ELP1):c.2506T>A (p.Cys836Ser)

Gene: ELP1 (elongator acetyltransferase complex subunit 1; minus strand). Cytogenetic location: 9q31.3.
Variant type: single nucleotide variant.
Coding change: c.2506T>A on transcript NM_003640.5 (MANE Select); coding-DNA position 2506, T replaced by A.
Protein change: p.Cys836Ser; replaces cysteine 836 with serine.
Molecular consequence: missense variant.
Genome position (GRCh38, 1-based): chr9:108,897,034, A>T on the plus strand (T>A on the coding strand, the complement: ELP1 is on the minus strand). VCF-style: chr9-108897034-A-T. GRCh37 (hg19) VCF-style: chr9-111659314-A-T.
Other names: c.2506T>A (LRG_251t1); c.2164T>A, p.Cys722Ser (NM_001318360.2); c.1459T>A, p.Cys487Ser (NM_001330749.2); short protein forms C836S, C487S, C722S.
Identifiers: ClinVar variation 245860 (VCV000245860.11), dbSNP rs879253977, ClinGen allele CA10584296.
Genomic context (GRCh38, chr9:108,897,034, plus strand): 5'-GCAGTACAATTTCCAGTTCTGGGGTTGTCTTCTTTACATGAGATGTAAGTATGGATAGGC[A>T]GTATCTGAGGTAATAAGTGAAGAACACCAGAATGAGAAAGGTAAGTAGGCTGGACAAGGA-3'
Protein context (NP_003631.2, residues 826-846): VMESINPHKY[Cys836Ser]LSILTSHVKK

ClinVar aggregate classification (germline): Uncertain significance. Review status: criteria provided, multiple submitters, no conflicts (2 of 4 stars). 4 submissions from 4 submitters: Uncertain significance (3). 1 of the submissions does not count toward it. Last evaluated 2022-06-15.

Conditions:
Familial dysautonomia. Also called: FD; HSAN III. Identifiers: Orphanet 1764, MedGen C0013364, MONDO:0009131, OMIM 223900. Disease mechanism: loss of function.

Allele frequency attached by ClinVar (database versions not stated): gnomAD exomes below 0.00001 and 0.00001; TOPMed 0.00001.

Submissions (4):

Labcorp Genetics (formerly Invitae), Labcorp
Classification: Uncertain significance. Last evaluated: 2022-06-15. Review status: criteria provided, single submitter. Criteria: Invitae Variant Classification Sherloc (09022015). Collection method: clinical testing. Allele origin: germline.
Comment: This sequence change replaces cysteine, which is neutral and slightly polar, with serine, which is neutral and polar, at codon 836 of the ELP1 protein (p.Cys836Ser). This variant is present in population databases (no rsID available, gnomAD 0.0009%). This variant has not been reported in the literature in individuals affected with ELP1-related conditions. ClinVar contains an entry for this variant (Variation ID: 245860). Algorithms developed to predict the effect of missense changes on protein structure and function are either unavailable or do not agree on the potential impact of this missense change (SIFT: "Tolerated"; PolyPhen-2: "Possibly Damaging"; Align-GVGD: "Class C0"). In summary, the available evidence is currently insufficient to determine the role of this variant in disease. Therefore, it has been classified as a Variant of Uncertain Significance.

Illumina Laboratory Services, Illumina
Classification: Uncertain significance for Familial dysautonomia. Last evaluated: 2018-01-13. Review status: criteria provided, single submitter. Criteria: ICSL Variant Classification Criteria 13 December 2019. Collection method: clinical testing. Allele origin: germline.

GeneDx
Classification: Uncertain significance. Last evaluated: 2015-08-12. Review status: criteria provided, single submitter. Criteria: GeneDx Variant Classification (06012015). Collection method: clinical testing. Allele origin: germline. Affected: yes.
Comment: The C836S variant has not been published as pathogenic, nor has it been reported as a benign polymorphism to our knowledge. It was not observed in approximately 6,500 individuals of European and African American ancestry in the NHLBI Exome Sequencing Project, indicating it is not a common benign variant in these populations. The C836S variant is a non-conservative amino acid substitution, which is likely to impact secondary protein structure as these residues differ in polarity, charge, size and/or other properties. This substitution occurs at a position that is conserved in mammals, and in silico analysis predicts this variant is probably damaging to the protein structure/function. However, missense variants have not been reported in this region of the protein in association with neuropathy (Stenson et al., 2014). Therefore, based on the currently available information, it is unclear whether this variant is a pathogenic or a rare benign variant.

Natera, Inc.
Classification: Uncertain significance for Familial dysautonomia. Last evaluated: 2020-09-16. Review status: no assertion criteria provided. Collection method: clinical testing. Allele origin: germline. Not counted in ClinVar's aggregate classification.